The following is an entry in ClinVar:

ClinVar aggregate classification (germline): Benign/Likely benign. Review status: criteria provided, multiple submitters, no conflicts (2 of 4 stars). 3 submissions from 3 submitters: Benign (1); Likely benign (2). Last evaluated 2026-07-10.

Conditions:
Hereditary cancer-predisposing syndrome. Also called: Tumor predisposition; Neoplastic Syndromes, Hereditary; Hereditary Cancer Syndrome; Hereditary neoplastic syndrome. Identifiers: Orphanet 140162, MedGen C0027672, MeSH D009386, MONDO:0015356.
Rhabdoid tumor predisposition syndrome 2 (RTPS2). Identifiers: Orphanet 231108, Orphanet 69077, MedGen C2750074, MONDO:0013224, OMIM 613325.

Allele frequency attached by ClinVar (database versions not stated): gnomAD exomes below 0.00001; TOPMed below 0.00001.
gnomAD v4.1: 4 of 1,602,230 alleles (0.00025%); highest among the groups gnomAD compares: Non-Finnish European, 0.00034%; no homozygotes.

Submissions (3):

Myriad Genetics, Inc.
Classification: Benign for Rhabdoid tumor predisposition syndrome 2. Last evaluated: 2026-07-10. Review status: criteria provided, single submitter. Criteria: Myriad Autosomal Dominant, Autosomal Recessive and X-Linked Classification Criteria (2023). Collection method: clinical testing. Allele origin: unknown.
Comment: This variant is considered benign. This variant is a silent/synonymous amino acid change and it is not expected to impact splicing.

Labcorp Genetics (formerly Invitae), Labcorp
Classification: Likely benign for Rhabdoid tumor predisposition syndrome 2. Last evaluated: 2025-08-13. Review status: criteria provided, single submitter. Criteria: Invitae Variant Classification Sherloc (09022015). Collection method: clinical testing. Allele origin: germline.

Ambry Genetics
Classification: Likely benign for Hereditary cancer-predisposing syndrome. Last evaluated: 2017-02-28. Review status: criteria provided, single submitter. Criteria: Ambry Variant Classification Scheme 2023. Collection method: clinical testing. Allele origin: germline.

NM_003072.5(SMARCA4):c.1404C>T (p.Arg468=)

Gene: SMARCA4 (SWI/SNF related BAF chromatin remodeling complex subunit ATPase 4; plus strand). Cytogenetic location: 19p13.2.
Variant type: single nucleotide variant.
Coding change: c.1404C>T on transcript NM_003072.5 (MANE Select); coding-DNA position 1404, C replaced by T.
Protein change: p.Arg468=; no amino-acid change (arginine 468 retained).
Molecular consequence: synonymous variant. On other transcripts: non-coding transcript variant (1).
Genome position (GRCh38, 1-based): chr19:10,991,308, C>T. VCF-style: chr19-10991308-C-T. GRCh37 (hg19) VCF-style: chr19-11101984-C-T.
Other names: c.1404C>T, p.Arg468= (NM_001128844.3, NM_001128845.2, NM_001128846.2 and 5 more transcripts).
Identifiers: ClinVar variation 484954 (VCV000484954.18), dbSNP rs995631496, ClinGen allele CA305289270.